The following is an entry in ClinVar:

NM_032242.4(PLXNA1):c.820G>A (p.Gly274Ser)

Gene: PLXNA1 (plexin A1; plus strand). Cytogenetic location: 3q21.3.
Variant type: single nucleotide variant.
Coding change: c.820G>A on transcript NM_032242.4 (MANE Select); coding-DNA position 820, G replaced by A.
Protein change: p.Gly274Ser; replaces glycine 274 with serine.
Molecular consequence: missense variant.
Genome position (GRCh38, 1-based): chr3:126,989,413, G>A. VCF-style: chr3-126989413-G-A. GRCh37 (hg19) VCF-style: chr3-126708256-G-A.
Other names: short protein forms G274S.
Identifiers: ClinVar variation 3030621 (VCV003030621.3), dbSNP rs369940054, ClinGen allele CA2593053.
Genomic context (GRCh38, chr3:126,989,413, plus strand): 5'-CAGTTTGTCTACTACCTCACGCTGCAGCTAGACACACAGCTGACCTCGCCTGATGCCGCC[G>A]GCGAGCACTTCTTCACGTCCAAGATCGTGCGGCTCTGTGTGGACGACCCCAAATTCTACT-3'
Protein context (NP_115618.3, residues 264-284): DTQLTSPDAA[Gly274Ser]EHFFTSKIVR

ClinVar aggregate classification (germline): Uncertain significance. Review status: criteria provided, single submitter (1 of 4 stars). 2 submissions from 2 submitters: Uncertain significance (1). 1 of the submissions does not count toward it. Last evaluated 2024-09-01.

Conditions:
PLXNA1-related disorder. Also called: PLXNA1-related condition.

Allele frequency attached by ClinVar (database versions not stated): ExAC 0.00002; gnomAD 0.00005; gnomAD exomes 0.00005; TOPMed 0.00005; ESP Exome Variant Server 0.00008.
gnomAD v4.1: 72 of 1,613,458 alleles (0.0045%); highest among the groups gnomAD compares: Non-Finnish European, 0.0054%; no homozygotes.

Submissions (2):

Ambry Genetics
Classification: Uncertain significance. Last evaluated: 2024-09-01. Review status: criteria provided, single submitter. Criteria: Ambry Variant Classification Scheme 2023. Collection method: clinical testing. Allele origin: germline.

PreventionGenetics, part of Exact Sciences
Classification: Uncertain significance for PLXNA1-related condition. Last evaluated: 2024-05-30. Review status: no assertion criteria provided. Collection method: clinical testing. Allele origin: germline. Not counted in ClinVar's aggregate classification.
Comment: The PLXNA1 c.820G>A variant is predicted to result in the amino acid substitution p.Gly274Ser. To our knowledge, this variant has not been reported in the literature. This variant is reported in 0.0062% of alleles in individuals of European (Non-Finnish) descent in gnomAD. At this time, the clinical significance of this variant is uncertain due to the absence of conclusive functional and genetic evidence.